The following is an entry in ClinVar:

NM_000111.3(SLC26A3):c.1584+6G>A

Gene: SLC26A3 (solute carrier family 26 member 3; minus strand). Cytogenetic location: 7q22.3.
Variant type: single nucleotide variant.
Coding change: c.1584+6G>A on transcript NM_000111.3 (MANE Select); 6 bases into the intron after coding-DNA position 1584, G replaced by A.
Molecular consequence: intron variant.
Genome position (GRCh38, 1-based): chr7:107,776,631, C>T on the plus strand (G>A on the coding strand, the complement: SLC26A3 is on the minus strand). VCF-style: chr7-107776631-C-T. GRCh37 (hg19) VCF-style: chr7-107417076-C-T.
Identifiers: ClinVar variation 4698508 (VCV004698508.1).

ClinVar aggregate classification (germline): Uncertain significance (1 of 4 stars; one submission).

Submission:

Labcorp Genetics (formerly Invitae), Labcorp
Classification: Uncertain significance. Last evaluated: 2025-10-03. Review status: criteria provided, single submitter. Criteria: Invitae Variant Classification Sherloc (09022015). Collection method: clinical testing. Allele origin: germline.
Comment: This sequence change falls in intron 14 of the SLC26A3 gene. It does not directly change the encoded amino acid sequence of the SLC26A3 protein. It affects a nucleotide within the consensus splice site. This variant is not present in population databases (gnomAD no frequency). This variant has not been reported in the literature in individuals affected with SLC26A3-related conditions. Variants that disrupt the consensus splice site are a relatively common cause of aberrant splicing (PMID: 17576681, 9536098). Algorithms developed to predict the effect of sequence changes on RNA splicing suggest that this variant is not likely to affect RNA splicing. In summary, the available evidence is currently insufficient to determine the role of this variant in disease. Therefore, it has been classified as a Variant of Uncertain Significance.

Literature cited by the submitters: PubMed 17576681; PubMed 9536098.